The following is an entry in ClinVar:

NM_005876.5(SPEG):c.9781C>T (p.Arg3261Cys)

Genes: ASIC4-AS1 (ASIC4 antisense RNA 1; minus strand), SPEG (striated muscle enriched protein kinase; plus strand). Cytogenetic location: 2q35.
Variant type: single nucleotide variant.
Coding change: c.9781C>T on transcript NM_005876.5 (MANE Select); coding-DNA position 9781, C replaced by T.
Protein change: p.Arg3261Cys; replaces arginine 3261 with cysteine.
Molecular consequence: missense variant.
Genome position (GRCh38, 1-based): chr2:219,492,763, C>T. VCF-style: chr2-219492763-C-T. GRCh37 (hg19) VCF-style: chr2-220357485-C-T.
Other names: short protein forms R3261C.
Identifiers: ClinVar variation 1437025 (VCV001437025.6), dbSNP rs768237231, ClinGen allele CA2127875.
Genomic context (GRCh38, chr2:219,492,763, plus strand): 5'-TTCCTGGGCGAGCAGCGGCGGCGCCGGGCTGAGGCTGCCACCCGCCACAAGGTGCTGCTG[C>T]GCTCCTACCCTGGCGGCCCCTAGAGGCACGGACCACAGCCAGGCCTCGGGCTTCAACTGG-3'
Protein context (NP_005867.3, residues 3251-3267): EAATRHKVLL[Arg3261Cys]SYPGGP

ClinVar aggregate classification (germline): Uncertain significance (1 of 4 stars; one submission).

Allele frequency attached by ClinVar (database versions not stated): TOPMed 0.00001.
gnomAD v4.1: 56 of 1,598,478 alleles (0.0035%); highest among the groups gnomAD compares: South Asian, 0.017%; no homozygotes.

Submission:

Labcorp Genetics (formerly Invitae), Labcorp
Classification: Uncertain significance. Last evaluated: 2021-12-08. Review status: criteria provided, single submitter. Criteria: Invitae Variant Classification Sherloc (09022015). Collection method: clinical testing. Allele origin: germline.
Comment: In summary, the available evidence is currently insufficient to determine the role of this variant in disease. Therefore, it has been classified as a Variant of Uncertain Significance. Algorithms developed to predict the effect of missense changes on protein structure and function are either unavailable or do not agree on the potential impact of this missense change (SIFT: "Deleterious"; PolyPhen-2: "Possibly Damaging"; Align-GVGD: "Class C0"). This variant has not been reported in the literature in individuals affected with SPEG-related conditions. This variant is present in population databases (rs768237231, gnomAD 0.02%). This sequence change replaces arginine, which is basic and polar, with cysteine, which is neutral and slightly polar, at codon 3261 of the SPEG protein (p.Arg3261Cys).